The following is an entry in ClinVar:

NM_001099271.2(POC5):c.493C>T (p.Leu165Phe)

Gene: POC5 (POC5 centriolar protein; minus strand). Cytogenetic location: 5q13.3.
Variant type: single nucleotide variant.
Coding change: c.493C>T on transcript NM_001099271.2 (MANE Select); coding-DNA position 493, C replaced by T.
Protein change: p.Leu165Phe; replaces leucine 165 with phenylalanine.
Molecular consequence: missense variant.
Genome position (GRCh38, 1-based): chr5:75,702,625, G>A on the plus strand (C>T on the coding strand, the complement: POC5 is on the minus strand). VCF-style: chr5-75702625-G-A. GRCh37 (hg19) VCF-style: chr5-74998450-G-A.
Other names: c.418C>T, p.Leu140Phe (NM_152408.3); short protein forms L140F, L165F.
Identifiers: ClinVar variation 2109860 (VCV002109860.4), dbSNP rs2478915339, ClinGen allele CA360149627.

ClinVar aggregate classification (germline): Uncertain significance (1 of 4 stars; one submission).

Submission:

Labcorp Genetics (formerly Invitae), Labcorp
Classification: Uncertain significance. Last evaluated: 2022-03-12. Review status: criteria provided, single submitter. Criteria: Invitae Variant Classification Sherloc (09022015). Collection method: clinical testing. Allele origin: germline.
Comment: In summary, the available evidence is currently insufficient to determine the role of this variant in disease. Therefore, it has been classified as a Variant of Uncertain Significance. Algorithms developed to predict the effect of missense changes on protein structure and function are either unavailable or do not agree on the potential impact of this missense change (SIFT: "Not Available"; PolyPhen-2: "Probably Damaging"; Align-GVGD: "Not Available"). This variant has not been reported in the literature in individuals affected with POC5-related conditions. This variant is not present in population databases (gnomAD no frequency). This sequence change replaces leucine, which is neutral and non-polar, with phenylalanine, which is neutral and non-polar, at codon 165 of the POC5 protein (p.Leu165Phe).